The following is an entry in ClinVar:

ClinVar aggregate classification (germline): Uncertain significance (1 of 4 stars; one submission).

Conditions:
Hereditary sensory and autonomic neuropathy type 1 (HSAN1). Also called: HSAN 1; HSN Type I; Hereditary Sensory Neuropathy Type I. Identifiers: Orphanet 36386, MedGen C0020071, MONDO:0018213.

Allele frequency attached by ClinVar (database versions not stated): gnomAD exomes below 0.00001; TOPMed below 0.00001.
gnomAD v4.1: 2 of 1,614,066 alleles (0.00012%); highest among the groups gnomAD compares: Admixed American, 0.0017%; no homozygotes.

Submission:

Labcorp Genetics (formerly Invitae), Labcorp
Classification: Uncertain significance for Hereditary sensory and autonomic neuropathy type 1. Last evaluated: 2018-04-18. Review status: criteria provided, single submitter. Criteria: Invitae Variant Classification Sherloc (09022015). Collection method: clinical testing. Allele origin: germline.
Comment: The observation of one missense substitutions at this codon (p.A352V) in affected individuals suggests that this may be a clinically significant residue (PMID: 21618344, 19651702). In summary, the available evidence is currently insufficient to determine the role of this variant in disease. Therefore, it has been classified as a Variant of Uncertain Significance. Algorithms developed to predict the effect of missense changes on protein structure and function do not agree on the potential impact of this missense change (SIFT: "Deleterious"; PolyPhen-2: "Possibly Damaging"; Align-GVGD: "Class C0"). This variant has not been reported in the literature in individuals with SPTLC1-related disease. This variant is not present in population databases (ExAC no frequency). This sequence change replaces alanine with threonine at codon 352 of the SPTLC1 protein (p.Ala352Thr). The alanine residue is highly conserved and there is a small physicochemical difference between alanine and threonine.

Literature cited by the submitters: PubMed 21618344; PubMed 19651702.

NM_006415.4(SPTLC1):c.1054G>A (p.Ala352Thr)

Gene: SPTLC1 (serine palmitoyltransferase long chain base subunit 1; minus strand). Cytogenetic location: 9q22.31.
Variant type: single nucleotide variant.
Coding change: c.1054G>A on transcript NM_006415.4 (MANE Select); coding-DNA position 1054, G replaced by A.
Protein change: p.Ala352Thr; replaces alanine 352 with threonine.
Molecular consequence: missense variant.
Genome position (GRCh38, 1-based): chr9:92,047,199, C>T on the plus strand (G>A on the coding strand, the complement: SPTLC1 is on the minus strand). VCF-style: chr9-92047199-C-T. GRCh37 (hg19) VCF-style: chr9-94809481-C-T.
Other names: c.1054G>A, p.Ala352Thr (NM_001281303.2); c.688G>A, p.Ala230Thr (NM_001368272.1); c.589G>A, p.Ala197Thr (NM_001368273.1); short protein forms A352T, A197T, A230T.
Identifiers: ClinVar variation 573770 (VCV000573770.8), dbSNP rs990974255, ClinGen allele CA195386158.
Genomic context (GRCh38, chr9:92,047,199, plus strand): 5'-TCTTTGATTCCTTGGGTTTTTAAAGGGTTATACCTGGATTCTCTTCCATGATGTTGAGGG[C>T]CTCAATTGCTGCAGCAGCTAACAGGGGAGGTAACGAAGCTGAAAAGCAGTATCCCTGGCC-3'
Protein context (NP_006406.1, residues 342-362): PPLLAAAAIE[Ala352Thr]LNIMEENPGI